The following is an entry in ClinVar:

ClinVar aggregate classification (germline): Uncertain significance (1 of 4 stars; one submission).

Conditions:
Dilated cardiomyopathy 1O (CMD1O). Also called: CARDIOMYOPATHY, DILATED, WITH VENTRICULAR TACHYCARDIA. Identifiers: Orphanet 154, MedGen C1837839, MONDO:0012062, OMIM 608569.

Submission:

Labcorp Genetics (formerly Invitae), Labcorp
Classification: Uncertain significance for Dilated cardiomyopathy 1O. Last evaluated: 2023-07-22. Review status: criteria provided, single submitter. Criteria: Invitae Variant Classification Sherloc (09022015). Collection method: clinical testing. Allele origin: germline.
Comment: In summary, the available evidence is currently insufficient to determine the role of this variant in disease. Therefore, it has been classified as a Variant of Uncertain Significance. Variants that disrupt the consensus splice site are a relatively common cause of aberrant splicing (PMID: 17576681, 9536098). Algorithms developed to predict the effect of sequence changes on RNA splicing suggest that this variant may disrupt the consensus splice site. This variant has not been reported in the literature in individuals affected with ABCC9-related conditions. This variant is not present in population databases (gnomAD no frequency). This sequence change falls in intron 32 of the ABCC9 gene. It does not directly change the encoded amino acid sequence of the ABCC9 protein. It affects a nucleotide within the consensus splice site.

Literature cited by the submitters: PubMed 17576681; PubMed 9536098.

NM_020297.4(ABCC9):c.4024-3T>C

Genes: ABCC9 (ATP binding cassette subfamily C member 9; minus strand), KCNJ8-AS1 (KCNJ8 antisense RNA 1; plus strand). Cytogenetic location: 12p12.1.
Variant type: single nucleotide variant.
Coding change: c.4024-3T>C on transcript NM_020297.4 (MANE Select); 3 bases into the intron before coding-DNA position 4024, T replaced by C.
Molecular consequence: intron variant.
Genome position (GRCh38, 1-based): chr12:21,814,725, A>G on the plus strand (T>C on the coding strand, the complement: ABCC9 is on the minus strand). VCF-style: chr12-21814725-A-G. GRCh37 (hg19) VCF-style: chr12-21967659-A-G.
Other names: c.3157-3T>C (NM_001377274.1); c.4024-3T>C (NM_005691.4, NM_001377273.1).
Identifiers: ClinVar variation 2816227 (VCV002816227.3), dbSNP rs2540853964, ClinGen allele CA2739271877.